The following is an entry in ClinVar:

NM_001849.4(COL6A2):c.1117-279G>A

Gene: COL6A2 (collagen type VI alpha 2 chain; plus strand). Cytogenetic location: 21q22.3.
Variant type: single nucleotide variant.
Coding change: c.1117-279G>A on transcript NM_001849.4 (MANE Select); 279 bases into the intron before coding-DNA position 1117, G replaced by A.
Molecular consequence: intron variant.
Genome position (GRCh38, 1-based): chr21:46,118,335, G>A. VCF-style: chr21-46118335-G-A. GRCh37 (hg19) VCF-style: chr21-47538249-G-A.
Other names: c.1117-279G>A (NM_058175.3, NM_058174.3).
Identifiers: ClinVar variation 672727 (VCV000672727.1), dbSNP rs12483283, ClinGen allele CA321964782.
Genomic context (GRCh38, chr21:46,118,335, plus strand): 5'-TCGCCCCGCCCCTGGCGGCCCCAGGATCCCCAAGGGCTTTTTTCTGGGAGCTTGGACTTA[G>A]GGCTTCCCACTTTCTGTCCACCTTCCCTCAGCCCAAGCCCAAGTCTGGCTGAGTCCTCTG-3'

ClinVar aggregate classification (germline): Likely benign (1 of 4 stars; one submission).

Allele frequency attached by ClinVar (database versions not stated): 1000 Genomes Project 0.01957; 1000 Genomes Project 30x 0.02014; gnomAD 0.03298 and 0.03426; TOPMed 0.03397.
gnomAD v4.1: 5,018 of 152,236 alleles (3.3%); highest among the groups gnomAD compares: Non-Finnish European, 4%; 99 homozygotes.

Submission:

GeneDx
Classification: Likely benign. Last evaluated: 2018-06-14. Review status: criteria provided, single submitter. Criteria: GeneDx Variant Classification (06012015). Collection method: clinical testing. Allele origin: germline. Affected: yes.
Comment: This variant is considered likely benign or benign based on one or more of the following criteria: it is a conservative change, it occurs at a poorly conserved position in the protein, it is predicted to be benign by multiple in silico algorithms, and/or has population frequency not consistent with disease.